The following is an entry in ClinVar:

ClinVar aggregate classification (germline): Likely pathogenic (1 of 4 stars; one submission).

Conditions:
Intellectual developmental disorder, X-linked, syndromic 14. Also called: Syndromic X-linked intellectual disability 14. Identifiers: Orphanet 776, MedGen C1970822, MONDO:0010398, OMIM 300676.

Submission:

Institute of Human Genetics, University of Leipzig Medical Center
Classification: Likely pathogenic for Intellectual developmental disorder, X-linked, syndromic 14. Last evaluated: 2022-11-28. Review status: criteria provided, single submitter. Criteria: ACMG Guidelines, 2015. Collection method: clinical testing. Allele origin: unknown. Affected: yes.
Comment: This variant was identified as hemizygous._x000D_ Criteria applied: PVS1, PM2_SUP

NM_080632.3(UPF3B):c.1147G>T (p.Glu383Ter)

Gene: UPF3B (UPF3B regulator of nonsense mediated mRNA decay; minus strand). Cytogenetic location: Xq24.
Variant type: single nucleotide variant.
Coding change: c.1147G>T on transcript NM_080632.3 (MANE Select); coding-DNA position 1147, G replaced by T.
Protein change: p.Glu383Ter; replaces glutamic acid 383 with a stop codon.
Molecular consequence: nonsense.
Genome position (GRCh38, 1-based): chrX:119,837,912, C>A on the plus strand (G>T on the coding strand, the complement: UPF3B is on the minus strand). VCF-style: chrX-119837912-C-A. GRCh37 (hg19) VCF-style: chrX-118971875-C-A.
Other names: c.1108G>T, p.Glu370Ter (NM_023010.4); short protein forms E370*, E383*.
Identifiers: ClinVar variation 1804141 (VCV001804141.1), dbSNP rs1480554912, ClinGen allele CA414183133.
Genomic context (GRCh38, chrX:119,837,912, plus strand): 5'-TATCCCGAAGTGTGTCTTTCTCTTTTTTCATTTCTTCTTCTTTTCTCTTAAAAGTCTTCT[C>A]TTTCTCATAGCGCTCCTTCTGCCTACGGCGCTCTTCTTCTTGCCGCTTCAGCCTCTCTCT-3'